The following is an entry in ClinVar:

NM_000136.3(FANCC):c.888G>T (p.Glu296Asp)

Genes: FANCC (FA complementation group C; minus strand), AOPEP (aminopeptidase O (putative); plus strand). Cytogenetic location: 9q22.32.
Variant type: single nucleotide variant.
Coding change: c.888G>T on transcript NM_000136.3 (MANE Select); coding-DNA position 888, G replaced by T.
Protein change: p.Glu296Asp; replaces glutamic acid 296 with aspartic acid.
Molecular consequence: missense variant.
Genome position (GRCh38, 1-based): chr9:95,126,537, C>A on the plus strand (G>T on the coding strand, the complement: FANCC is on the minus strand). VCF-style: chr9-95126537-C-A. GRCh37 (hg19) VCF-style: chr9-97888819-C-A.
Other names: c.888G>T, p.Glu296Asp (NM_001243743.2, NM_001243744.2); short protein forms E296D.
Identifiers: ClinVar variation 1764993 (VCV001764993.2), dbSNP rs779166059, ClinGen allele CA374109066.

ClinVar aggregate classification (germline): Uncertain significance (1 of 4 stars; one submission).

Conditions:
Hereditary cancer-predisposing syndrome. Also called: Neoplastic Syndromes, Hereditary; Tumor predisposition; Hereditary Cancer Syndrome; Hereditary neoplastic syndrome. Identifiers: Orphanet 140162, MedGen C0027672, MeSH D009386, MONDO:0015356.

Submission:

Ambry Genetics
Classification: Uncertain significance for Hereditary cancer-predisposing syndrome. Last evaluated: 2022-07-11. Review status: criteria provided, single submitter. Criteria: Ambry Variant Classification Scheme 2023. Collection method: clinical testing. Allele origin: germline.
Comment: The p.E296D variant (also known as c.888G>T), located in coding exon 8 of the FANCC gene, results from a G to T substitution at nucleotide position 888. The glutamic acid at codon 296 is replaced by aspartic acid, an amino acid with highly similar properties. This amino acid position is conserved. In addition, this alteration is predicted to be tolerated by in silico analysis. Since supporting evidence is limited at this time, the clinical significance of this alteration remains unclear.